The following is an entry in ClinVar:

ClinVar aggregate classification (germline): Uncertain significance (1 of 4 stars; one submission).

Conditions:
Aortic aneurysm, familial thoracic 7 (AAT7). Also called: AORTIC DISSECTION, FAMILIAL, WITH OR WITHOUT AORTIC ANEURYSM. Identifiers: MedGen C3151077, MONDO:0013418, OMIM 613780.

Submission:

Labcorp Genetics (formerly Invitae), Labcorp
Classification: Uncertain significance for Aortic aneurysm, familial thoracic 7. Last evaluated: 2021-07-07. Review status: criteria provided, single submitter. Criteria: Invitae Variant Classification Sherloc (09022015). Collection method: clinical testing. Allele origin: germline.
Comment: This sequence change replaces glycine with arginine at codon 77 of the MYLK protein (p.Gly77Arg). The glycine residue is highly conserved and there is a moderate physicochemical difference between glycine and arginine. This variant is not present in population databases (ExAC no frequency). This variant has not been reported in the literature in individuals affected with MYLK-related conditions. Advanced modeling of protein sequence and biophysical properties (such as structural, functional, and spatial information, amino acid conservation, physicochemical variation, residue mobility, and thermodynamic stability) performed at Invitae indicates that this missense variant is not expected to disrupt MYLK protein function. In summary, the available evidence is currently insufficient to determine the role of this variant in disease. Therefore, it has been classified as a Variant of Uncertain Significance.

NM_053025.4(MYLK):c.229G>C (p.Gly77Arg)

Gene: MYLK (myosin light chain kinase; minus strand). Cytogenetic location: 3q21.1.
Variant type: single nucleotide variant.
Coding change: c.229G>C on transcript NM_053025.4 (MANE Select); coding-DNA position 229, G replaced by C.
Protein change: p.Gly77Arg; replaces glycine 77 with arginine.
Molecular consequence: missense variant. On other transcripts: intron variant (1).
Genome position (GRCh38, 1-based): chr3:123,752,475, C>G on the plus strand (G>C on the coding strand, the complement: MYLK is on the minus strand). VCF-style: chr3-123752475-C-G. GRCh37 (hg19) VCF-style: chr3-123471322-C-G.
Other names: c.229G>C, p.Gly77Arg (NM_053026.4, NM_053027.4, NM_053028.4); c.-155-12474G>C (NM_001321309.2); short protein forms G77R.
Identifiers: ClinVar variation 1460564 (VCV001460564.6), dbSNP rs139000120, ClinGen allele CA354244890.